The following is an entry in ClinVar:

NM_001010874.5(TECRL):c.965-50_965-49insTT

Gene: TECRL (trans-2,3-enoyl-CoA reductase like; minus strand). Cytogenetic location: 4q13.1.
Variant type: Insertion.
Coding change: c.965-50_965-49insTT on transcript NM_001010874.5 (MANE Select); 50 bases into the intron before coding-DNA position 965 through 49 bases into the intron before coding-DNA position 965, TT inserted.
Molecular consequence: intron variant.
Genome position: GRCh38 VCF-style: chr4-64280248-T-TAA. GRCh37 (hg19) VCF-style: chr4-65145966-T-TAA.
Other names: c.965-50_965-49insTT (NM_001010874.4); c.964+792_964+793insTT (NM_001363796.1).
Identifiers: ClinVar variation 1294827 (VCV001294827.3), dbSNP rs5858871, ClinGen allele CA2935279.
Genomic context (GRCh38, chr4:64,280,248, plus strand): 5'-TAAAAATTCCAACTAGAAGAAAAAAGAAATAATTATTATTTCTTTCTTATTTCTATGAAA[T>TAA]GTTATATTAGGAAAAGGATCCCTAGCATGTTTAGCTTTTAAGATGTTTCTCAAATGTTGC-3'

ClinVar aggregate classification (germline): Benign. Review status: criteria provided, multiple submitters, no conflicts (2 of 4 stars). 2 submissions from 2 submitters: Benign (2). Last evaluated 2026-09-21.

Allele frequency attached by ClinVar (database versions not stated): gnomAD 0.96798 and 0.96605; gnomAD exomes 0.97451 and 0.97757; ExAC 0.97734; TOPMed 0.96588; ESP Exome Variant Server 0.95674; 1000 Genomes Project 0.97025; 1000 Genomes Project 30x 0.97049.

Submissions (2):

Molecular Diagnostic Laboratory for Inherited Cardiovascular Disease, Montreal Heart Institute
Classification: Benign. Last evaluated: 2026-09-21. Review status: criteria provided, single submitter. Criteria: ACMG Guidelines, 2015. Collection method: clinical testing. Allele origin: germline. Affected: no.
Comment: BA1

GeneDx
Classification: Benign. Last evaluated: 2019-03-29. Review status: criteria provided, single submitter. Criteria: GeneDx Variant Classification Process June 2021. Collection method: clinical testing. Allele origin: germline. Affected: yes.